The following is an entry in ClinVar:

NM_000393.5(COL5A2):c.1563+2T>G

Gene: COL5A2 (collagen type V alpha 2 chain; minus strand). Cytogenetic location: 2q32.2.
Variant type: single nucleotide variant.
Coding change: c.1563+2T>G on transcript NM_000393.5 (MANE Select); the canonical splice donor site of the intron after coding-DNA position 1563, T replaced by G.
Molecular consequence: splice donor variant.
Genome position (GRCh38, 1-based): chr2:189,066,388, A>C on the plus strand (T>G on the coding strand, the complement: COL5A2 is on the minus strand). VCF-style: chr2-189066388-A-C. GRCh37 (hg19) VCF-style: chr2-189931114-A-C.
Identifiers: ClinVar variation 2630805 (VCV002630805.1), dbSNP rs2469306058, ClinGen allele CA349851087.

ClinVar aggregate classification (germline): Likely pathogenic (1 of 4 stars; one submission).

Conditions:
COL5A2-related disorder. Also called: COL5A2-related condition.

Submission:

PreventionGenetics, part of Exact Sciences
Classification: Likely pathogenic for COL5A2-related condition. Last evaluated: 2023-09-18. Review status: criteria provided, single submitter. Criteria: ACMG Guidelines, 2015. Collection method: clinical testing. Allele origin: germline.
Comment: The COL5A2 c.1563+2T>G variant is predicted to disrupt the GT donor site and interfere with normal splicing. To our knowledge, this variant has not been reported in the literature or in a large population database, indicating this variant is rare. Variants that disrupt the consensus splice donor site in COL5A2 are expected to be pathogenic. This variant is interpreted as likely pathogenic.